The following is an entry in ClinVar:

ClinVar aggregate classification (germline): Uncertain significance (1 of 4 stars; one submission).

Submission:

GeneDx
Classification: Uncertain significance. Last evaluated: 2024-07-15. Review status: criteria provided, single submitter. Criteria: GeneDx Variant Classification Process June 2021. Collection method: clinical testing. Allele origin: germline. Affected: yes.
Comment: Not observed at significant frequency in large population cohorts (gnomAD); In silico analysis supports that this missense variant has a deleterious effect on protein structure/function; Has not been previously published as pathogenic or benign to our knowledge

NM_004187.5(KDM5C):c.3280T>A (p.Ser1094Thr)

Gene: KDM5C (lysine demethylase 5C; minus strand). Cytogenetic location: Xp11.22.
Variant type: single nucleotide variant.
Coding change: c.3280T>A on transcript NM_004187.5 (MANE Select); coding-DNA position 3280, T replaced by A.
Protein change: p.Ser1094Thr; replaces serine 1094 with threonine.
Molecular consequence: missense variant. On other transcripts: non-coding transcript variant (3).
Genome position (GRCh38, 1-based): chrX:53,195,251, A>T on the plus strand (T>A on the coding strand, the complement: KDM5C is on the minus strand). VCF-style: chrX-53195251-A-T. GRCh37 (hg19) VCF-style: chrX-53224433-A-T.
Other names: c.3079T>A, p.Ser1027Thr (NM_001146702.2); c.3277T>A, p.Ser1093Thr (NM_001282622.3, NM_001353979.2, NM_001353982.2); c.3280T>A, p.Ser1094Thr (NM_001353978.3, NM_001353981.2, NM_001353984.2); short protein forms S1027T, S1093T, S1094T.
Identifiers: ClinVar variation 2571902 (VCV002571902.2), dbSNP rs2519383723, ClinGen allele CA413110181.